The following is an entry in ClinVar:

NM_000293.3(PHKB):c.3242A>C (p.Glu1081Ala)

Gene: PHKB (phosphorylase kinase regulatory subunit beta; plus strand). Cytogenetic location: 16q12.1.
Variant type: single nucleotide variant.
Coding change: c.3242A>C on transcript NM_000293.3 (MANE Select); coding-DNA position 3242, A replaced by C.
Protein change: p.Glu1081Ala; replaces glutamic acid 1081 with alanine.
Molecular consequence: missense variant.
Genome position (GRCh38, 1-based): chr16:47,699,326, A>C. VCF-style: chr16-47699326-A-C. GRCh37 (hg19) VCF-style: chr16-47733237-A-C.
Other names: c.3221A>C, p.Glu1074Ala (NM_001031835.3); c.3242A>C, p.Glu1081Ala (NM_001363837.1); short protein forms E1074A, E1081A.
Identifiers: ClinVar variation 2154557 (VCV002154557.1), dbSNP rs1330403719, ClinGen allele CA396101946.

ClinVar aggregate classification (germline): Uncertain significance (1 of 4 stars; one submission).

Conditions:
Glycogen storage disease IXb (GSD9B). Also called: PHOSPHORYLASE KINASE DEFICIENCY OF LIVER AND MUSCLE, AUTOSOMAL RECESSIVE; GLYCOGENOSIS OF LIVER AND MUSCLE, AUTOSOMAL RECESSIVE; GSD IXb. Identifiers: Orphanet 79240, MedGen C0543514, MONDO:0009868, OMIM 261750.

Allele frequency attached by ClinVar (database versions not stated): gnomAD exomes below 0.00001; TOPMed below 0.00001.
gnomAD v4.1: 1 of 1,614,176 alleles (0.000062%); highest among the groups gnomAD compares: Admixed American, 0.0017%; no homozygotes.

Submission:

Labcorp Genetics (formerly Invitae), Labcorp
Classification: Uncertain significance for Glycogen storage disease IXb. Last evaluated: 2022-04-29. Review status: criteria provided, single submitter. Criteria: Invitae Variant Classification Sherloc (09022015). Collection method: clinical testing. Allele origin: germline.
Comment: This sequence change replaces glutamic acid, which is acidic and polar, with alanine, which is neutral and non-polar, at codon 1081 of the PHKB protein (p.Glu1081Ala). This variant is present in population databases (no rsID available, gnomAD 0.003%). This variant has not been reported in the literature in individuals affected with PHKB-related conditions. Algorithms developed to predict the effect of missense changes on protein structure and function (SIFT, PolyPhen-2, Align-GVGD) all suggest that this variant is likely to be tolerated. In summary, the available evidence is currently insufficient to determine the role of this variant in disease. Therefore, it has been classified as a Variant of Uncertain Significance.